The following is an entry in ClinVar:

ClinVar aggregate classification (germline): Uncertain significance (1 of 4 stars; one submission).

gnomAD v4.1: 1 of 1,613,262 alleles (0.000062%); highest among the groups gnomAD compares: Non-Finnish European, 0.000085%; no homozygotes.

Submission:

GeneDx
Classification: Uncertain significance. Last evaluated: 2024-09-11. Review status: criteria provided, single submitter. Criteria: GeneDx Variant Classification Process June 2021. Collection method: clinical testing. Allele origin: germline. Affected: yes.
Comment: Not observed at significant frequency in large population cohorts (gnomAD); In silico analysis supports that this missense variant has a deleterious effect on protein structure/function; Has not been previously published as pathogenic or benign to our knowledge; In silico analysis suggests this variant may impact gene splicing. In the absence of RNA/functional studies, the actual effect of this sequence change is unknown.

NM_001395002.1(MAP4K4):c.3005C>T (p.Thr1002Ile)

Gene: MAP4K4 (mitogen-activated protein kinase kinase kinase kinase 4; plus strand). Cytogenetic location: 2q11.2.
Variant type: single nucleotide variant.
Coding change: c.3005C>T on transcript NM_001395002.1 (MANE Select); coding-DNA position 3005, C replaced by T.
Protein change: p.Thr1002Ile; replaces threonine 1002 with isoleucine.
Molecular consequence: missense variant. On other transcripts: non-coding transcript variant (4).
Genome position (GRCh38, 1-based): chr2:101,873,699, C>T. VCF-style: chr2-101873699-C-T. GRCh37 (hg19) VCF-style: chr2-102490161-C-T.
Other names: c.2570C>T, p.Thr857Ile (NM_001242559.2); c.2558C>T, p.Thr853Ile (NM_001242560.2); c.2648C>T, p.Thr883Ile (NM_001384476.1); c.2837C>T, p.Thr946Ile (NM_001384477.1); c.2327C>T, p.Thr776Ile (NM_001384478.1); c.2765C>T, p.Thr922Ile (NM_001384481.1); c.2318C>T, p.Thr773Ile (NM_001384482.1); c.2600C>T, p.Thr867Ile (NM_001384483.1); and 39 more; short protein forms T1002I, T767I, T773I, T775I, T776I, T795I, T806I, T807I.
Identifiers: ClinVar variation 3769948 (VCV003769948.1).
Genomic context (GRCh38, chr2:101,873,699, plus strand): 5'-CATTGCAGACTCAGTCCGCTAGTAGCACACTCCAGAAACACAAATCTTCCTCCTCCTTTA[C>T]ACCTTTTATAGACCCCAGATTACTACAGATTTCTCCATCTAGCGGAACAACAGTGACATC-3'
Protein context (NP_001381931.1, residues 992-1012): LQKHKSSSSF[Thr1002Ile]PFIDPRLLQI